The following is an entry in ClinVar:

NM_012210.4(TRIM32):c.1169G>A (p.Arg390His)

Genes: ASTN2 (astrotactin 2; minus strand), TRIM32 (tripartite motif containing 32; plus strand). Cytogenetic location: 9q33.1.
Variant type: single nucleotide variant.
Coding change: c.1169G>A on transcript NM_012210.4 (MANE Select); coding-DNA position 1169, G replaced by A.
Protein change: p.Arg390His; replaces arginine 390 with histidine.
Molecular consequence: missense variant. On other transcripts: intron variant (3).
Genome position (GRCh38, 1-based): chr9:116,698,911, G>A. VCF-style: chr9-116698911-G-A. GRCh37 (hg19) VCF-style: chr9-119461190-G-A.
Other names: c.1169G>A, p.Arg390His (NM_001099679.2, NM_001379048.1, NM_001379049.1 and 1 more transcripts); c.2653+26860C>T (NM_014010.5); c.2794+26860C>T (NM_001365069.1); c.2806+26860C>T (NM_001365068.1); short protein forms R390H.
Identifiers: ClinVar variation 1035639 (VCV001035639.9), dbSNP rs146094774, ClinGen allele CA5211113.
Genomic context (GRCh38, chr9:116,698,911, plus strand): 5'-TGTTCAATCTTCCAGTCAGTCTCTACGTGACCAGTCAAGGTGAAGTACTAGTCGCTGACC[G>A]TGGTAACTATCGTATACAAGTCTTTACCCGCAAAGGCTTTTTGAAGGAAATCCGCCGCAG-3'
Protein context (NP_036342.2, residues 380-400): TSQGEVLVAD[Arg390His]GNYRIQVFTR

ClinVar aggregate classification (germline): Uncertain significance. Review status: criteria provided, multiple submitters, no conflicts (2 of 4 stars). 3 submissions from 3 submitters: Uncertain significance (2). 1 of the submissions does not count toward it. Last evaluated 2022-08-10.

Conditions:
Bardet-Biedl syndrome (BBS). Identifiers: Orphanet 110, MedGen C0752166, MONDO:0015229.
TRIM32-related disorder. Also called: TRIM32-related condition.

Allele frequency attached by ClinVar (database versions not stated): gnomAD exomes 0.00001 and 0.00002; TOPMed 0.00001; ExAC 0.00003; ESP Exome Variant Server 0.00008.
gnomAD v4.1: 9 of 1,614,214 alleles (0.00056%); highest among the groups gnomAD compares: South Asian, 0.0011%; no homozygotes.

Submissions (3):

Labcorp Genetics (formerly Invitae), Labcorp
Classification: Uncertain significance for Bardet-Biedl syndrome. Last evaluated: 2022-08-10. Review status: criteria provided, single submitter. Criteria: Invitae Variant Classification Sherloc (09022015). Collection method: clinical testing. Allele origin: germline.
Comment: This sequence change replaces arginine, which is basic and polar, with histidine, which is basic and polar, at codon 390 of the TRIM32 protein (p.Arg390His). This variant is present in population databases (rs146094774, gnomAD 0.003%). This variant has not been reported in the literature in individuals affected with TRIM32-related conditions. ClinVar contains an entry for this variant (Variation ID: 1035639). Algorithms developed to predict the effect of missense changes on protein structure and function (SIFT, PolyPhen-2, Align-GVGD) all suggest that this variant is likely to be disruptive. In summary, the available evidence is currently insufficient to determine the role of this variant in disease. Therefore, it has been classified as a Variant of Uncertain Significance.

Revvity Omics, Revvity
Classification: Uncertain significance. Last evaluated: 2020-03-05. Review status: criteria provided, single submitter. Criteria: ACMG Guidelines, 2015. Collection method: clinical testing. Allele origin: germline.

PreventionGenetics, part of Exact Sciences
Classification: Uncertain significance for TRIM32-related condition. Last evaluated: 2024-07-17. Review status: no assertion criteria provided. Collection method: clinical testing. Allele origin: germline. Not counted in ClinVar's aggregate classification.
Comment: The TRIM32 c.1169G>A variant is predicted to result in the amino acid substitution p.Arg390His. To our knowledge, this variant has not been reported in the literature. This variant is reported in 0.0033% of alleles in individuals of South Asian descent in gnomAD. At this time, the clinical significance of this variant is uncertain due to the absence of conclusive functional and genetic evidence.